The following is an entry in ClinVar:

ClinVar aggregate classification (germline): Uncertain significance (1 of 4 stars; one submission).

Allele frequency attached by ClinVar (database versions not stated): gnomAD exomes below 0.00001; TOPMed 0.00001; ExAC 0.00003.
gnomAD v4.1: 2 of 1,613,800 alleles (0.00012%); highest among the groups gnomAD compares: East Asian, 0.0022%; no homozygotes.

Submission:

Labcorp Genetics (formerly Invitae), Labcorp
Classification: Uncertain significance. Last evaluated: 2023-07-16. Review status: criteria provided, single submitter. Criteria: Invitae Variant Classification Sherloc (09022015). Collection method: clinical testing. Allele origin: germline.
Comment: This variant has not been reported in the literature in individuals affected with ABCA1-related conditions. In summary, the available evidence is currently insufficient to determine the role of this variant in disease. Therefore, it has been classified as a Variant of Uncertain Significance. Advanced modeling of protein sequence and biophysical properties (such as structural, functional, and spatial information, amino acid conservation, physicochemical variation, residue mobility, and thermodynamic stability) performed at Invitae indicates that this missense variant is not expected to disrupt ABCA1 protein function. This variant is present in population databases (rs757415880, gnomAD 0.03%). This sequence change replaces aspartic acid, which is acidic and polar, with asparagine, which is neutral and polar, at codon 434 of the ABCA1 protein (p.Asp434Asn).

NM_005502.4(ABCA1):c.1300G>A (p.Asp434Asn)

Gene: ABCA1 (ATP binding cassette subfamily A member 1; minus strand). Cytogenetic location: 9q31.1.
Variant type: single nucleotide variant.
Coding change: c.1300G>A on transcript NM_005502.4 (MANE Select); coding-DNA position 1300, G replaced by A.
Protein change: p.Asp434Asn; replaces aspartic acid 434 with asparagine.
Molecular consequence: missense variant.
Genome position (GRCh38, 1-based): chr9:104,836,991, C>T on the plus strand (G>A on the coding strand, the complement: ABCA1 is on the minus strand). VCF-style: chr9-104836991-C-T. GRCh37 (hg19) VCF-style: chr9-107599272-C-T.
Other names: short protein forms D434N.
Identifiers: ClinVar variation 2985955 (VCV002985955.3), dbSNP rs757415880, ClinGen allele CA5169065.